The following is an entry in ClinVar:

ClinVar aggregate classification (germline): Uncertain significance (1 of 4 stars; one submission).

Submission:

Women's Health and Genetics/Laboratory Corporation of America, LabCorp
Classification: Uncertain significance. Last evaluated: 2025-12-10. Review status: criteria provided, single submitter. Criteria: LabCorp Variant Classification Summary - May 2015. Collection method: clinical testing. Allele origin: germline.
Comment: Variant summary: USH2A c.841A>G (p.Thr281Ala) results in a non-conservative amino acid change in the encoded protein sequence. Algorithms developed to predict the effect of missense changes on protein structure and function are either unavailable or do not agree on the potential impact of this missense change. The variant was absent in 250902 control chromosomes. The available data on variant occurrences in the general population are insufficient to allow any conclusion about variant significance. To our knowledge, no occurrence of c.841A>G in individuals affected with USH2A-related conditions and no experimental evidence demonstrating its impact on protein function have been reported. A different variant affecting the same codon has been classified as likely pathogenic by our lab (c.842C>A, p.Thr281Lys), supporting the critical relevance of codon 281 to USH2A protein function. No submitters have cited clinical-significance assessments for this variant to ClinVar. Based on the evidence outlined above, the variant was classified as uncertain significance.

NM_206933.4(USH2A):c.841A>G (p.Thr281Ala)

Gene: USH2A (usherin; minus strand). Cytogenetic location: 1q41.
Variant type: single nucleotide variant.
Coding change: c.841A>G on transcript NM_206933.4 (MANE Select); coding-DNA position 841, A replaced by G.
Protein change: p.Thr281Ala; replaces threonine 281 with alanine.
Molecular consequence: missense variant.
Genome position (GRCh38, 1-based): chr1:216,327,598, T>C on the plus strand (A>G on the coding strand, the complement: USH2A is on the minus strand). VCF-style: chr1-216327598-T-C. GRCh37 (hg19) VCF-style: chr1-216500940-T-C.
Other names: c.841A>G, p.Thr281Ala (NM_007123.6); short protein forms T281A.
Identifiers: ClinVar variation 4688400 (VCV004688400.1).